The following is an entry in ClinVar:

ClinVar aggregate classification (germline): Benign. Review status: criteria provided, single submitter (1 of 4 stars). 2 submissions from 2 submitters: Benign (1). 1 of the submissions does not count toward it. Last evaluated 2015-03-03.

Conditions:
CAV3-related disorder. Also called: CAV3-related condition.

Allele frequency attached by ClinVar (database versions not stated): gnomAD exomes 0.00001; TOPMed 0.00001.
gnomAD v4.1: 6 of 1,386,772 alleles (0.00043%); highest among the groups gnomAD compares: Non-Finnish European, 0.00062%; no homozygotes.

Submissions (2):

GeneDx
Classification: Benign. Last evaluated: 2015-03-03. Review status: criteria provided, single submitter. Criteria: GeneDx Variant Classification Process June 2021. Collection method: clinical testing. Allele origin: germline. Affected: yes.

PreventionGenetics, part of Exact Sciences
Classification: Likely benign for CAV3-related condition. Last evaluated: 2022-08-26. Review status: no assertion criteria provided. Collection method: clinical testing. Allele origin: germline. Not counted in ClinVar's aggregate classification.
Comment: This variant is classified as likely benign based on ACMG/AMP sequence variant interpretation guidelines (Richards et al. 2015 PMID: 25741868, with internal and published modifications).

NM_033337.3(CAV3):c.-31A>G

Gene: CAV3 (caveolin 3; plus strand). Cytogenetic location: 3p25.3.
Variant type: single nucleotide variant.
Coding change: c.-31A>G on transcript NM_033337.3 (MANE Select); 31 bases upstream of the start codon, A replaced by G.
Molecular consequence: 5 prime UTR variant.
Genome position (GRCh38, 1-based): chr3:8,733,846, A>G. VCF-style: chr3-8733846-A-G. GRCh37 (hg19) VCF-style: chr3-8775532-A-G.
Other names: c.-31A>G (NM_001234.5, NM_033337.2).
Identifiers: ClinVar variation 1292447 (VCV001292447.4), dbSNP rs917823409, ClinGen allele CA69861818.